The following is an entry in ClinVar:

ClinVar aggregate classification (germline): Conflicting classifications of pathogenicity. Review status: criteria provided, conflicting classifications (1 of 4 stars). 3 submissions from 3 submitters: Likely pathogenic (1); Uncertain significance (2). Last evaluated 2025-10-27.

Conditions:
Brugada syndrome. Also called: Sudden unexpected nocturnal death syndrome; Sudden unexplained nocturnal death syndrome; Sudden Unexplained Death Syndrome; Sudden Unexplained Nocturnal Death Syndrome (SUNDS). Identifiers: Orphanet 130, MedGen C1142166, MONDO:0015263.
Developmental and epileptic encephalopathy 110 (DEE110). Identifiers: MedGen C5774265, MONDO:0859327, OMIM 620149.
Cardiovascular phenotype. Identifiers: MedGen CN230736.

Allele frequency attached by ClinVar (database versions not stated): gnomAD exomes below 0.00001.

Submissions (3):

Labcorp Genetics (formerly Invitae), Labcorp
Classification: Uncertain significance for Brugada syndrome. Last evaluated: 2025-10-27. Review status: criteria provided, single submitter. Criteria: Invitae Variant Classification Sherloc (09022015). Collection method: clinical testing. Allele origin: germline.
Comment: This sequence change creates a premature translational stop signal (p.Arg157*) in the CACNA2D1 gene. It is expected to result in an absent or disrupted protein product. However, the current clinical and genetic evidence is not sufficient to establish whether loss-of-function variants in CACNA2D1 cause disease. This variant is present in population databases (no rsID available, gnomAD 0.0009%). This variant has not been reported in the literature in individuals affected with CACNA2D1-related conditions. ClinVar contains an entry for this variant (Variation ID: 2450727). In summary, the available evidence is currently insufficient to determine the role of this variant in disease. Therefore, it has been classified as a Variant of Uncertain Significance.

Undiagnosed Diseases Network, NIH
Classification: Likely pathogenic for Developmental and epileptic encephalopathy 110. Last evaluated: 2025-06-05. Review status: criteria provided, single submitter. Criteria: ACMG Guidelines, 2015. Collection method: clinical testing. Allele origin: maternal. Affected: yes. Observed: 1 variant allele, 1 compound heterozygote. Study: Undiagnosed Diseases Network (NIH), UDN.

Ambry Genetics
Classification: Uncertain significance for Cardiovascular phenotype. Last evaluated: 2022-12-13. Review status: criteria provided, single submitter. Criteria: Ambry Variant Classification Scheme 2023. Collection method: clinical testing. Allele origin: germline.
Comment: The p.R157* variant (also known as c.469C>T), located in coding exon 6 of the CACNA2D1 gene, results from a C to T substitution at nucleotide position 469. This changes the amino acid from an arginine to a stop codon within coding exon 6. This alteration is expected to result in loss of function by premature protein truncation or nonsense-mediated mRNA decay. However, the evidence for this gene-disease relationship is limited; therefore, the clinical significance of this alteration is unclear.

NM_000722.4(CACNA2D1):c.469C>T (p.Arg157Ter)

Gene: CACNA2D1 (calcium voltage-gated channel auxiliary subunit alpha2delta 1; minus strand). Cytogenetic location: 7q21.11.
Variant type: single nucleotide variant.
Coding change: c.469C>T on transcript NM_000722.4 (MANE Select); coding-DNA position 469, C replaced by T.
Protein change: p.Arg157Ter; replaces arginine 157 with a stop codon.
Molecular consequence: nonsense.
Genome position (GRCh38, 1-based): chr7:82,117,101, G>A on the plus strand (C>T on the coding strand, the complement: CACNA2D1 is on the minus strand). VCF-style: chr7-82117101-G-A. GRCh37 (hg19) VCF-style: chr7-81746417-G-A.
Other names: c.469C>T, p.Arg157Ter (NM_001302890.2, NM_001366867.1); short protein forms R157*.
Identifiers: ClinVar variation 2450727 (VCV002450727.4), dbSNP rs866283042, ClinGen allele CA161612073.